The following is an entry in ClinVar:

ClinVar aggregate classification (germline): Likely benign. Review status: criteria provided, multiple submitters, no conflicts (2 of 4 stars). 3 submissions from 3 submitters: Likely benign (3). Last evaluated 2023-12-28.

Conditions:
Familial hypercholesterolemia. Also called: Familial hypercholesterolemias; Familial hypercholesterolaemia. Identifiers: MedGen C0020445, MONDO:0005439.
Cardiovascular phenotype. Identifiers: MedGen CN230736.
Familial hypobetalipoproteinemia 1. Also called: Hypobetalipoproteinemia, normotriglyceridemic; Acanthocytosis with hypobetalipoproteinemia; APOB-Related Familial Hypobetalipoproteinemia. Identifiers: MedGen C4551990, MONDO:0014252, OMIM 615558.
Hypercholesterolemia, autosomal dominant, type B (FHCL2). Also called: Familial Hypercholesterolemia Type B; APOLIPOPROTEIN B-100, FAMILIAL DEFECTIVE; APOLIPOPROTEIN B-100, FAMILIAL LIGAND-DEFECTIVE; HYPERCHOLESTEROLEMIA, FAMILIAL, DUE TO LIGAND-DEFECTIVE APOLIPOPROTEIN B; APOB-Related Familial Hypercholesterolemia, Autosomal Dominant; Hyperlipoproteinemia Type IIb. Identifiers: MedGen C1704417, MONDO:0007751, OMIM 144010.

Allele frequency attached by ClinVar (database versions not stated): gnomAD exomes below 0.00001 and 0.00001; ExAC 0.00002.
gnomAD v4.1: 6 of 1,614,150 alleles (0.00037%); highest among the groups gnomAD compares: Non-Finnish European, 0.00042%; no homozygotes.

Submissions (3):

GENinCode PLC
Classification: Likely benign for Familial hypercholesterolemia. Last evaluated: 2023-12-28. Review status: criteria provided, single submitter. Criteria: ACMG Guidelines, 2015. Collection method: clinical testing. Allele origin: germline.
Comment: This is a synonymous (silent) variant that is not predicted by SpliceAI to impact splicing. In addition, it occurs at a nucleotide that is not conserved. Therefore this variant has been classified as Likely Benign (BP4, BP7).

Ambry Genetics
Classification: Likely benign for Cardiovascular phenotype. Last evaluated: 2021-03-07. Review status: criteria provided, single submitter. Criteria: Ambry Variant Classification Scheme 2023. Collection method: clinical testing. Allele origin: germline.

Labcorp Genetics (formerly Invitae), Labcorp
Classification: Likely benign for Familial hypobetalipoproteinemia 1; Hypercholesterolemia, autosomal dominant, type B. Last evaluated: 2020-10-20. Review status: criteria provided, single submitter. Criteria: Invitae Variant Classification Sherloc (09022015). Collection method: clinical testing. Allele origin: germline.

NM_000384.3(APOB):c.7398A>G (p.Leu2466=)

Gene: APOB (apolipoprotein B; minus strand). Cytogenetic location: 2p24.1.
Variant type: single nucleotide variant.
Coding change: c.7398A>G on transcript NM_000384.3 (MANE Select); coding-DNA position 7398, A replaced by G.
Protein change: p.Leu2466=; no amino-acid change (leucine 2466 retained).
Molecular consequence: synonymous variant.
Genome position (GRCh38, 1-based): chr2:21,009,470, T>C on the plus strand (A>G on the coding strand, the complement: APOB is on the minus strand). VCF-style: chr2-21009470-T-C. GRCh37 (hg19) VCF-style: chr2-21232342-T-C.
Identifiers: ClinVar variation 1129416 (VCV001129416.14), dbSNP rs769499708, ClinGen allele CA064376.